The following is an entry in ClinVar:

ClinVar aggregate classification (germline): Pathogenic (1 of 4 stars; one submission).

Conditions:
Familial thoracic aortic aneurysm and aortic dissection (TAAD). Also called: Thoracic aortic aneurysms and dissections. Identifiers: Orphanet 91387, MedGen C4707243, MONDO:0019625.
Marfan syndrome (MFS). Also called: Marfan syndrome type 1; Marfan syndrome, classic; Marfan's syndrome; FBN1-Related Marfan Syndrome; MARFAN SYNDROME, TYPE I. Identifiers: Orphanet 284963, Orphanet 558, MedGen C0024796, MONDO:0007947, OMIM 154700.

Allele frequency attached by ClinVar (database versions not stated): gnomAD 0.00001.

Submission:

Labcorp Genetics (formerly Invitae), Labcorp
Classification: Pathogenic for Marfan syndrome; Familial thoracic aortic aneurysm and aortic dissection. Last evaluated: 2023-07-17. Review status: criteria provided, single submitter. Criteria: Invitae Variant Classification Sherloc (09022015). Collection method: clinical testing. Allele origin: germline.
Comment: This missense change has been observed in individual(s) with clinical features of FBN1-related conditions (PMID: 9399842; Invitae). For these reasons, this variant has been classified as Pathogenic. This variant disrupts the p.Cys996 amino acid residue in FBN1. Other variant(s) that disrupt this residue have been observed in individuals with FBN1-related conditions (PMID: 25652356; Invitae), which suggests that this may be a clinically significant amino acid residue. This variant affects a cysteine residue in the EGF-like, TGFBP or hybrid motif domains of FBN1. Cysteine residues are believed to be involved in intramolecular disulfide bridges and have been shown to be important for FBN1 protein structure (PMID: 16905551, 19349279). In addition, missense substitutions affecting cysteine residues within these domains are significantly overrepresented among patients with Marfan syndrome (PMID: 16571647, 17701892). Advanced modeling of protein sequence and biophysical properties (such as structural, functional, and spatial information, amino acid conservation, physicochemical variation, residue mobility, and thermodynamic stability) performed at Invitae indicates that this missense variant is expected to disrupt FBN1 protein function. ClinVar contains an entry for this variant (Variation ID: 527151). This variant is present in population databases (rs140592, gnomAD 0.007%). This sequence change replaces cysteine, which is neutral and slightly polar, with arginine, which is basic and polar, at codon 996 of the FBN1 protein (p.Cys996Arg).

Literature cited by the submitters: PubMed 9399842; PubMed 25652356; PubMed 16905551; PubMed 19349279; PubMed 16571647; PubMed 17701892.

NM_000138.5(FBN1):c.2986T>C (p.Cys996Arg)

Gene: FBN1 (fibrillin 1; minus strand). Cytogenetic location: 15q21.1.
Variant type: single nucleotide variant.
Coding change: c.2986T>C on transcript NM_000138.5 (MANE Select); coding-DNA position 2986, T replaced by C.
Protein change: p.Cys996Arg; replaces cysteine 996 with arginine.
Molecular consequence: missense variant.
Genome position (GRCh38, 1-based): chr15:48,489,947, A>G on the plus strand (T>C on the coding strand, the complement: FBN1 is on the minus strand). VCF-style: chr15-48489947-A-G. GRCh37 (hg19) VCF-style: chr15-48782144-A-G.
Other names: short protein forms C996R.
Identifiers: ClinVar variation 527151 (VCV000527151.8), dbSNP rs140592, ClinGen allele CA269533518.